The following is an entry in ClinVar:

NM_004370.6(COL12A1):c.2333C>T (p.Thr778Ile)

Gene: COL12A1 (collagen type XII alpha 1 chain; minus strand). Cytogenetic location: 6q13.
Variant type: single nucleotide variant.
Coding change: c.2333C>T on transcript NM_004370.6 (MANE Select); coding-DNA position 2333, C replaced by T.
Protein change: p.Thr778Ile; replaces threonine 778 with isoleucine.
Molecular consequence: missense variant. On other transcripts: intron variant (2).
Genome position (GRCh38, 1-based): chr6:75,177,767, G>A on the plus strand (C>T on the coding strand, the complement: COL12A1 is on the minus strand). VCF-style: chr6-75177767-G-A. GRCh37 (hg19) VCF-style: chr6-75887483-G-A.
Other names: c.2333C>T, p.Thr778Ile (NM_001424113.1, NM_001424114.1, NM_001424115.1); c.73+24953C>T (NM_001424116.1, NM_080645.3); short protein forms T778I.
Identifiers: ClinVar variation 2945559 (VCV002945559.3), dbSNP rs2533533485, ClinGen allele CA364763975.
Genomic context (GRCh38, chr6:75,177,767, plus strand): 5'-GAGAAATATTCAGGAATTACAGATACTTCATATTTCGTGTCTGGAATCAAGTTCTCCAGT[G>A]TTCTCCTCCTCTGATTGGGTGGGGTGGTAACTTCTCTGCTCTCTCCACCAGCAACTGGTC-3'
Protein context (NP_004361.3, residues 768-788): VTTPPNQRRR[Thr778Ile]LENLIPDTKY

ClinVar aggregate classification (germline): Uncertain significance (1 of 4 stars; one submission).

Conditions:
Ullrich congenital muscular dystrophy 2 (UCMD2). Identifiers: Orphanet 75840, MedGen C4225314, MONDO:0014654, OMIM 616470.
Bethlem myopathy 2 (BTHLM2). Identifiers: Orphanet 536516, Orphanet 610, MedGen C4225313, MONDO:0034022, OMIM 616471.

gnomAD v4.1: 1 of 1,614,060 alleles (0.000062%); no homozygotes.

Submission:

Labcorp Genetics (formerly Invitae), Labcorp
Classification: Uncertain significance for Bethlem myopathy 2; Ullrich congenital muscular dystrophy 2. Last evaluated: 2025-08-12. Review status: criteria provided, single submitter. Criteria: Invitae Variant Classification Sherloc (09022015). Collection method: clinical testing. Allele origin: germline.
Comment: This sequence change replaces threonine, which is neutral and polar, with isoleucine, which is neutral and non-polar, at codon 778 of the COL12A1 protein (p.Thr778Ile). This variant is not present in population databases (gnomAD no frequency). This variant has not been reported in the literature in individuals affected with COL12A1-related conditions. ClinVar contains an entry for this variant (Variation ID: 2945559). Invitae Evidence Modeling of protein sequence and biophysical properties (such as structural, functional, and spatial information, amino acid conservation, physicochemical variation, residue mobility, and thermodynamic stability) indicates that this missense variant is not expected to disrupt COL12A1 protein function with a negative predictive value of 80%. In summary, the available evidence is currently insufficient to determine the role of this variant in disease. Therefore, it has been classified as a Variant of Uncertain Significance.